The following is an entry in ClinVar:

NM_001164508.2(NEB):c.14353G>A (p.Gly4785Arg)

Gene: NEB (nebulin; minus strand). Cytogenetic location: 2q23.3.
Variant type: single nucleotide variant.
Coding change: c.14353G>A on transcript NM_001164508.2 (MANE Select); coding-DNA position 14353, G replaced by A.
Protein change: p.Gly4785Arg; replaces glycine 4785 with arginine.
Molecular consequence: missense variant. On other transcripts: intron variant (1).
Genome position (GRCh38, 1-based): chr2:151,594,171, C>T on the plus strand (G>A on the coding strand, the complement: NEB is on the minus strand). VCF-style: chr2-151594171-C-T. GRCh37 (hg19) VCF-style: chr2-152450685-C-T.
Other names: c.14353G>A, p.Gly4785Arg (NM_001164507.2, NM_001271208.2); c.11601+15638G>A (NM_004543.5); short protein forms G4785R.
Identifiers: ClinVar variation 382768 (VCV000382768.1), dbSNP rs1057521449, ClinGen allele CA16603966.

ClinVar aggregate classification (germline): Likely benign (1 of 4 stars; one submission).

Submission:

GeneDx
Classification: Likely benign. Last evaluated: 2016-02-18. Review status: criteria provided, single submitter. Criteria: GeneDx Variant Classification (06012015). Collection method: clinical testing. Allele origin: germline. Affected: yes.
Comment: This variant is considered likely benign or benign based on one or more of the following criteria: it is a conservative change, it occurs at a poorly conserved position in the protein, it is predicted to be benign by multiple in silico algorithms, and/or has population frequency not consistent with disease.